The following is an entry in ClinVar:

NM_000371.4(TTR):c.-3A>G

Gene: TTR (transthyretin; plus strand). Cytogenetic location: 18q12.1.
Variant type: single nucleotide variant.
Coding change: c.-3A>G on transcript NM_000371.4 (MANE Select); 3 bases upstream of the start codon, A replaced by G.
Molecular consequence: 5 prime UTR variant.
Genome position (GRCh38, 1-based): chr18:31,591,900, A>G. VCF-style: chr18-31591900-A-G. GRCh37 (hg19) VCF-style: chr18-29171863-A-G.
Identifiers: ClinVar variation 1235184 (VCV001235184.9), dbSNP rs745422404, ClinGen allele CA8928372.

ClinVar aggregate classification (germline): Conflicting classifications of pathogenicity. Review status: criteria provided, conflicting classifications (1 of 4 stars). 4 submissions from 4 submitters: Uncertain significance (1); Likely benign (3). Last evaluated 2025-05-15.

Conditions:
TTR-related disorder. Also called: TTR-related disorders; TTR-related condition.
Hyperthyroxinemia, dystransthyretinemic. Also called: EUTHRYROIDAL HYPERTHYROXINEMIA 2; HYPERTHYROXINEMIA, DYSPREALBUMINEMIC. Identifiers: MedGen C2750824, MONDO:0007785, OMIM 145680.
Amyloidosis, hereditary systemic 1 (AMYLD1). Also called: Hereditary oculoleptomeningeal amyloid angiopathy; Familial Transthyretin Amyloidosis; Familial amyloid polyneuropathy; Transthyretin Amyloidosis; Hereditary Transthyretin Amyloidosis; AMYLOID CARDIOMYOPATHY. Identifiers: Orphanet 85447, Orphanet 85451, MedGen C2751492, MONDO:0971004, OMIM 105210.
Carpal tunnel syndrome 1 (CTS1). Also called: Carpal tunnel syndrome, familial. Identifiers: MedGen C5779776, MONDO:0020730, OMIM 115430.
Cardiovascular phenotype. Identifiers: MedGen CN230736.

Allele frequency attached by ClinVar (database versions not stated): gnomAD 0.00002; gnomAD exomes 0.00003 and 0.00006; ExAC 0.00005; TOPMed 0.00005.
gnomAD v4.1: 20 of 1,614,086 alleles (0.0012%); highest among the groups gnomAD compares: Admixed American, 0.033%; no homozygotes.

Submissions (4):

PreventionGenetics, part of Exact Sciences
Classification: Likely benign for TTR-related condition. Last evaluated: 2025-05-15. Review status: criteria provided, single submitter. Criteria: ACMG Guidelines, 2015. Collection method: clinical testing. Allele origin: germline.
Comment: This variant is classified as likely benign based on ACMG/AMP sequence variant interpretation guidelines (Richards et al. 2015 PMID: 25741868, with internal and published modifications).

Fulgent Genetics
Classification: Likely benign for Amyloidosis, hereditary systemic 1; Carpal tunnel syndrome 1; Hyperthyroxinemia, dystransthyretinemic. Last evaluated: 2024-06-25. Review status: criteria provided, single submitter. Criteria: ACMG Guidelines, 2015. Collection method: clinical testing. Allele origin: germline.

GeneDx
Classification: Likely benign. Last evaluated: 2022-08-17. Review status: criteria provided, single submitter. Criteria: GeneDx Variant Classification Process June 2021. Collection method: clinical testing. Allele origin: germline. Affected: yes.
Comment: See Variant Classification Assertion Criteria.

Ambry Genetics
Classification: Uncertain significance for Cardiovascular phenotype. Last evaluated: 2022-04-12. Review status: criteria provided, single submitter. Criteria: Ambry Variant Classification Scheme 2023. Collection method: clinical testing. Allele origin: germline.
Comment: The c.-3A>G variant is located in the 5' untranslated region (5&rsquo;UTR) of the TTR gene. This variant results from an A to G substitution 3 nucleotides upstream from the first translated codon. Based on nucleotide sequence alignment, this position is well conserved in available vertebrate species. Since supporting evidence is limited at this time, the clinical significance of this alteration remains unclear.